The following is an entry in ClinVar:

NM_004656.4(BAP1):c.605G>A (p.Trp202Ter)

Gene: BAP1 (BRCA1 associated deubiquitinase 1; minus strand). Cytogenetic location: 3p21.1.
Variant type: single nucleotide variant.
Coding change: c.605G>A on transcript NM_004656.4 (MANE Select); coding-DNA position 605, G replaced by A.
Protein change: p.Trp202Ter; replaces tryptophan 202 with a stop codon.
Molecular consequence: nonsense.
Genome position (GRCh38, 1-based): chr3:52,406,883, C>T on the plus strand (G>A on the coding strand, the complement: BAP1 is on the minus strand). VCF-style: chr3-52406883-C-T. GRCh37 (hg19) VCF-style: chr3-52440899-C-T.
Other names: c.605G>A (NM_004656.2); short protein forms W202*.
Identifiers: ClinVar variation 1450488 (VCV001450488.13), dbSNP rs2153227652, ClinGen allele CA353109070.

ClinVar aggregate classification (germline): Pathogenic. Review status: criteria provided, multiple submitters, no conflicts (2 of 4 stars). 5 submissions from 5 submitters: Pathogenic (5). Last evaluated 2024-08-31.

Conditions:
Kury-Isidor syndrome (KURIS). Identifiers: MedGen C5676925, MONDO:0859230, OMIM 619762.
Melanoma, uveal, susceptibility to, 2 (UVM2). Also called: Melanoma, uveal 2. Identifiers: Orphanet 39044, MedGen C1847723, MONDO:0011696, OMIM 606661.
BAP1-related tumor predisposition syndrome (TPDS1). Also called: COMMON Syndrome; Tumor susceptibility linked to germline BAP1 mutations; TUMOR PREDISPOSITION SYNDROME 1; BAP1 tumor predisposition syndrome. Identifiers: Orphanet 289539, MedGen C3280492, MONDO:0013692, OMIM 614327.
Hereditary cancer-predisposing syndrome. Also called: Hereditary Cancer Syndrome; Hereditary neoplastic syndrome; Neoplastic Syndromes, Hereditary; Tumor predisposition. Identifiers: Orphanet 140162, MedGen C0027672, MeSH D009386, MONDO:0015356.

Submissions (5):

Labcorp Genetics (formerly Invitae), Labcorp
Classification: Pathogenic for BAP1-related tumor predisposition syndrome. Last evaluated: 2024-08-31. Review status: criteria provided, single submitter. Criteria: Invitae Variant Classification Sherloc (09022015). Collection method: clinical testing. Allele origin: germline.
Comment: This sequence change creates a premature translational stop signal (p.Trp202*) in the BAP1 gene. It is expected to result in an absent or disrupted protein product. Loss-of-function variants in BAP1 are known to be pathogenic (PMID: 21874000, 23684012). This variant is not present in population databases (gnomAD no frequency). This premature translational stop signal has been observed in individual(s) with family history of BAP1-related conditions (PMID: 28560743). ClinVar contains an entry for this variant (Variation ID: 1450488). For these reasons, this variant has been classified as Pathogenic.

Fulgent Genetics
Classification: Pathogenic for Melanoma, uveal, susceptibility to, 2; BAP1-related tumor predisposition syndrome; Kury-Isidor syndrome. Last evaluated: 2024-05-15. Review status: criteria provided, single submitter. Criteria: ACMG Guidelines, 2015. Collection method: clinical testing. Allele origin: germline.

Ambry Genetics
Classification: Pathogenic for Hereditary cancer-predisposing syndrome. Last evaluated: 2024-01-12. Review status: criteria provided, single submitter. Criteria: Ambry Variant Classification Scheme 2023. Collection method: clinical testing. Allele origin: germline.
Comment: The p.W202* pathogenic mutation (also known as c.605G>A), located in coding exon 8 of the BAP1 gene, results from a G to A substitution at nucleotide position 605. This changes the amino acid from a tryptophan to a stop codon within coding exon 8. This alteration has been observed in multiple individuals with a personal and/or family history that is consistent with BAP1-related disease (Cabaret O et al. Genes Chromosomes Cancer, 2017 Sep;56:691-694; Bruno W et al. ESMO Open, 2022 Aug;7:100525; Sculco M et al. Diagnostics (Basel), 2022 Jul;12; Byrne L et al. Fam Cancer, 2023 Jul;22:307-311). In addition to the clinical data presented in the literature, this alteration is expected to result in loss of function by premature protein truncation or nonsense-mediated mRNA decay. As such, this alteration is interpreted as a disease-causing mutation.

Myriad Genetics, Inc.
Classification: Pathogenic for BAP1-related tumor predisposition syndrome. Last evaluated: 2023-05-17. Review status: criteria provided, single submitter. Criteria: Myriad Autosomal Dominant, Autosomal Recessive and X-Linked Classification Criteria (2023). Collection method: clinical testing. Allele origin: unknown.
Comment: This variant is considered pathogenic. This variant creates a termination codon and is predicted to result in premature protein truncation.

Baylor Genetics
Classification: Pathogenic for BAP1-related tumor predisposition syndrome. Last evaluated: 2022-04-27. Review status: criteria provided, single submitter. Criteria: ACMG Guidelines, 2015. Collection method: clinical testing. Allele origin: unknown.

Literature cited by the submitters: PubMed 21874000 (cited by Labcorp Genetics (formerly Invitae), Labcorp); PubMed 23684012 (cited by Labcorp Genetics (formerly Invitae), Labcorp); PubMed 28560743 (cited by Labcorp Genetics (formerly Invitae), Labcorp and Ambry Genetics); PubMed 35777164 (cited by Ambry Genetics); PubMed 35885614 (cited by Ambry Genetics); PubMed 36513904 (cited by Ambry Genetics).